The following is an entry in ClinVar:

ClinVar aggregate classification (germline): Uncertain significance (1 of 4 stars; one submission).

Conditions:
Short-rib thoracic dysplasia 7 with or without polydactyly (SRTD7). Also called: Short rib polydactyly syndrome 5; SHORT-RIB THORACIC DYSPLASIA 7 WITH POLYDACTYLY. Identifiers: Orphanet 498497, Orphanet 93271, MedGen C3279792, MONDO:0013569, OMIM 614091.
Cranioectodermal dysplasia 2 (CED2). Identifiers: Orphanet 1515, MedGen C3150874, MONDO:0013323, OMIM 613610.

Submission:

Labcorp Genetics (formerly Invitae), Labcorp
Classification: Uncertain significance for Cranioectodermal dysplasia 2; Short-rib thoracic dysplasia 7 with or without polydactyly. Last evaluated: 2025-07-10. Review status: criteria provided, single submitter. Criteria: Invitae Variant Classification Sherloc (09022015). Collection method: clinical testing. Allele origin: germline.
Comment: This sequence change replaces threonine, which is neutral and polar, with alanine, which is neutral and non-polar, at codon 525 of the WDR35 protein (p.Thr525Ala). This variant is not present in population databases (gnomAD no frequency). This variant has not been reported in the literature in individuals affected with WDR35-related conditions. ClinVar contains an entry for this variant (Variation ID: 1465983). Invitae Evidence Modeling of protein sequence and biophysical properties (such as structural, functional, and spatial information, amino acid conservation, physicochemical variation, residue mobility, and thermodynamic stability) indicates that this missense variant is not expected to disrupt WDR35 protein function with a negative predictive value of 95%. In summary, the available evidence is currently insufficient to determine the role of this variant in disease. Therefore, it has been classified as a Variant of Uncertain Significance.

NM_020779.4(WDR35):c.1540A>G (p.Thr514Ala)

Gene: WDR35 (WD repeat domain 35; minus strand). Cytogenetic location: 2p24.1.
Variant type: single nucleotide variant.
Coding change: c.1540A>G on transcript NM_020779.4 (MANE Select); coding-DNA position 1540, A replaced by G.
Protein change: p.Thr514Ala; replaces threonine 514 with alanine.
Molecular consequence: missense variant.
Genome position (GRCh38, 1-based): chr2:19,946,555, T>C on the plus strand (A>G on the coding strand, the complement: WDR35 is on the minus strand). VCF-style: chr2-19946555-T-C. GRCh37 (hg19) VCF-style: chr2-20146316-T-C.
Other names: c.1573A>G, p.Thr525Ala (NM_001006657.2); short protein forms T514A, T525A.
Identifiers: ClinVar variation 1465983 (VCV001465983.6), dbSNP rs2103417008, ClinGen allele CA345945113.